The following is an entry in ClinVar:

ClinVar aggregate classification (germline): Uncertain significance (1 of 4 stars; one submission).

Submission:

Labcorp Genetics (formerly Invitae), Labcorp
Classification: Uncertain significance. Last evaluated: 2022-02-28. Review status: criteria provided, single submitter. Criteria: Invitae Variant Classification Sherloc (09022015). Collection method: clinical testing. Allele origin: germline.
Comment: In summary, the available evidence is currently insufficient to determine the role of this variant in disease. Therefore, it has been classified as a Variant of Uncertain Significance. Algorithms developed to predict the effect of missense changes on protein structure and function are either unavailable or do not agree on the potential impact of this missense change (SIFT: "Deleterious"; PolyPhen-2: "Possibly Damaging"; Align-GVGD: "Class C0"). This variant has not been reported in the literature in individuals affected with AAAS-related conditions. This variant is not present in population databases (gnomAD no frequency). This sequence change replaces threonine, which is neutral and polar, with proline, which is neutral and non-polar, at codon 519 of the AAAS protein (p.Thr519Pro).

NM_015665.6(AAAS):c.1555A>C (p.Thr519Pro)

Gene: AAAS (aladin WD repeat nucleoporin; minus strand). Cytogenetic location: 12q13.13.
Variant type: single nucleotide variant.
Coding change: c.1555A>C on transcript NM_015665.6 (MANE Select); coding-DNA position 1555, A replaced by C.
Protein change: p.Thr519Pro; replaces threonine 519 with proline.
Molecular consequence: missense variant.
Genome position (GRCh38, 1-based): chr12:53,307,575, T>G on the plus strand (A>C on the coding strand, the complement: AAAS is on the minus strand). VCF-style: chr12-53307575-T-G. GRCh37 (hg19) VCF-style: chr12-53701359-T-G.
Other names: c.1456A>C, p.Thr486Pro (NM_001173466.2); short protein forms T486P, T519P.
Identifiers: ClinVar variation 2104826 (VCV002104826.4), dbSNP rs2498600387, ClinGen allele CA385035018.
Genomic context (GRCh38, chr12:53,307,575, plus strand): 5'-GCAGAACAGGTGGTGGCCCTGGGAGAGGGTCCCAAGGGGCAGAGGTTGGGGATGTCTCAG[T>G]AAAGAGGGGCAGGTCATGAATAGAGCCTCCACCCCCAGCAGGGGGTTCCTGGGCCCGCCC-3'
Protein context (NP_056480.1, residues 509-529): GGSIHDLPLF[Thr519Pro]ETSPTSAPWD